The following is an entry in ClinVar:

ClinVar aggregate classification (germline): Likely benign. Review status: criteria provided, multiple submitters, no conflicts (2 of 4 stars). 3 submissions from 3 submitters: Likely benign (3). Last evaluated 2025-10-16.

Conditions:
Hereditary cancer-predisposing syndrome. Also called: Tumor predisposition; Hereditary neoplastic syndrome; Hereditary Cancer Syndrome; Neoplastic Syndromes, Hereditary. Identifiers: Orphanet 140162, MedGen C0027672, MeSH D009386, MONDO:0015356.
Neuroblastoma, susceptibility to, 3. Also called: ALK-Related Neuroblastic Tumor Susceptibility. Identifiers: Orphanet 635, MedGen C2751681, MONDO:0013083, OMIM 613014.

Allele frequency attached by ClinVar (database versions not stated): TOPMed below 0.00001; ExAC 0.00001; gnomAD 0.00001; gnomAD exomes 0.00002 and below 0.00001; 1000 Genomes Project 0.00020; 1000 Genomes Project 30x 0.00031.
gnomAD v4.1: 30 of 1,614,032 alleles (0.0019%); highest among the groups gnomAD compares: Non-Finnish European, 0.0025%; no homozygotes.

Submissions (3):

Labcorp Genetics (formerly Invitae), Labcorp
Classification: Likely benign for Neuroblastoma, susceptibility to, 3. Last evaluated: 2025-10-16. Review status: criteria provided, single submitter. Criteria: Invitae Variant Classification Sherloc (09022015). Collection method: clinical testing. Allele origin: germline.

CeGaT Center for Human Genetics Tuebingen
Classification: Likely benign. Last evaluated: 2025-08-01. Review status: criteria provided, single submitter. Criteria: CeGaT Center For Human Genetics Tuebingen Variant Classification Criteria Version 2. Collection method: clinical testing. Allele origin: germline. Affected: yes. Observed: 1 variant allele.
Comment: ALK: BP4, BP7

Ambry Genetics
Classification: Likely benign for Hereditary cancer-predisposing syndrome. Last evaluated: 2022-03-29. Review status: criteria provided, single submitter. Criteria: Ambry Variant Classification Scheme 2023. Collection method: clinical testing. Allele origin: germline.

NM_004304.5(ALK):c.2853T>C (p.Asp951=)

Gene: ALK (ALK receptor tyrosine kinase; minus strand). Cytogenetic location: 2p23.2.
Variant type: single nucleotide variant.
Coding change: c.2853T>C on transcript NM_004304.5 (MANE Select); coding-DNA position 2853, T replaced by C.
Protein change: p.Asp951=; no amino-acid change (aspartic acid 951 retained).
Molecular consequence: synonymous variant.
Genome position (GRCh38, 1-based): chr2:29,227,635, A>G on the plus strand (T>C on the coding strand, the complement: ALK is on the minus strand). VCF-style: chr2-29227635-A-G. GRCh37 (hg19) VCF-style: chr2-29450501-A-G.
Identifiers: ClinVar variation 412918 (VCV000412918.22), dbSNP rs201222888, ClinGen allele CA1594161.